The following is an entry in ClinVar:

NM_182961.4(SYNE1):c.16573-291T>C

Gene: SYNE1 (spectrin repeat containing nuclear envelope protein 1; minus strand). Cytogenetic location: 6q25.2.
Variant type: single nucleotide variant.
Coding change: c.16573-291T>C on transcript NM_182961.4 (MANE Select); 291 bases into the intron before coding-DNA position 16573, T replaced by C.
Molecular consequence: intron variant.
Genome position (GRCh38, 1-based): chr6:152,317,277, A>G on the plus strand (T>C on the coding strand, the complement: SYNE1 is on the minus strand). VCF-style: chr6-152317277-A-G. GRCh37 (hg19) VCF-style: chr6-152638412-A-G.
Other names: c.16360-291T>C (NM_033071.5).
Identifiers: ClinVar variation 683950 (VCV000683950.1), dbSNP rs6901934, ClinGen allele CA12338480.

ClinVar aggregate classification (germline): Benign (1 of 4 stars; one submission).

Allele frequency attached by ClinVar (database versions not stated): gnomAD 0.77111 and 0.77485; TOPMed 0.79281; 1000 Genomes Project 30x 0.85337; 1000 Genomes Project 0.85563.
gnomAD v4.1: 115,573 of 149,310 alleles (77%); highest among the groups gnomAD compares: East Asian, 95%; 45,481 homozygotes.

Submission:

GeneDx
Classification: Benign. Last evaluated: 2018-06-18. Review status: criteria provided, single submitter. Criteria: GeneDx Variant Classification (06012015). Collection method: clinical testing. Allele origin: germline. Affected: yes.
Comment: This variant is considered likely benign or benign based on one or more of the following criteria: it is a conservative change, it occurs at a poorly conserved position in the protein, it is predicted to be benign by multiple in silico algorithms, and/or has population frequency not consistent with disease.